The following is an entry in ClinVar:

NM_006206.6(PDGFRA):c.49+1G>T

Gene: PDGFRA (platelet derived growth factor receptor alpha; plus strand). Cytogenetic location: 4q12.
Variant type: single nucleotide variant.
Coding change: c.49+1G>T on transcript NM_006206.6 (MANE Select); the canonical splice donor site of the intron after coding-DNA position 49, G replaced by T.
Molecular consequence: splice donor variant.
Genome position (GRCh38, 1-based): chr4:54,258,818, G>T. VCF-style: chr4-54258818-G-T. GRCh37 (hg19) VCF-style: chr4-55124985-G-T.
Other names: c.49+1G>T (NM_006206.4, NM_001347827.2, NM_001347829.2); c.124+1G>T (NM_001347828.2); c.88+1G>T (NM_001347830.2).
Identifiers: ClinVar variation 2101503 (VCV002101503.5), dbSNP rs2110235415, ClinGen allele CA356888133.
Genomic context (GRCh38, chr4:54,258,818, plus strand): 5'-TTCCCAGAGCTATGGGGACTTCCCATCCGGCGTTCCTGGTCTTAGGCTGTCTTCTCACAG[G>T]TACGGAGCCCAGTCCTCTCTGAGTTCCTTGTTTGGGTGTCTTGTTTTTTTAAGCTTTGTG-3'

ClinVar aggregate classification (germline): Uncertain significance. Review status: criteria provided, multiple submitters, no conflicts (2 of 4 stars). 2 submissions from 2 submitters: Uncertain significance (2). Last evaluated 2026-01-08.

Conditions:
Hereditary cancer-predisposing syndrome. Also called: Hereditary neoplastic syndrome; Neoplastic Syndromes, Hereditary; Hereditary Cancer Syndrome; Tumor predisposition. Identifiers: Orphanet 140162, MedGen C0027672, MeSH D009386, MONDO:0015356.
Gastrointestinal stromal tumor. Also called: Gastrointestinal stroma tumor; Gastrointestinal stromal tumor, somatic. Identifiers: Orphanet 44890, MedGen C0238198, MeSH D046152, MONDO:0011719, OMIM 606764, HP:0100723.

Submissions (2):

Ambry Genetics
Classification: Uncertain significance for Hereditary cancer-predisposing syndrome. Last evaluated: 2026-01-08. Review status: criteria provided, single submitter. Criteria: Ambry Variant Classification Scheme 2023. Collection method: clinical testing. Allele origin: germline.
Comment: The c.49+1G>T intronic variant results from a G to T substitution one nucleotide after coding exon 1 of the PDGFRA gene. This nucleotide position is highly conserved in available vertebrate species. In silico splice site analysis predicts that this alteration will weaken the native splice donor site. Alterations that disrupt the canonical splice site are expected to cause aberrant splicing, resulting in an abnormal protein or a transcript that is subject to nonsense-mediated mRNA decay. However, loss of function has not been established as a mechanism of disease. Based on the available evidence, the clinical significance of this alteration remains unclear.

Labcorp Genetics (formerly Invitae), Labcorp
Classification: Uncertain significance for Gastrointestinal stromal tumor. Last evaluated: 2022-02-22. Review status: criteria provided, single submitter. Criteria: Invitae Variant Classification Sherloc (09022015). Collection method: clinical testing. Allele origin: germline.
Comment: In summary, the available evidence is currently insufficient to determine the role of this variant in disease. Therefore, it has been classified as a Variant of Uncertain Significance. Algorithms developed to predict the effect of sequence changes on RNA splicing suggest that this variant may disrupt the consensus splice site. This variant has not been reported in the literature in individuals affected with PDGFRA-related conditions. This variant is not present in population databases (gnomAD no frequency). This sequence change affects a donor splice site in intron 2 of the PDGFRA gene. It is expected to disrupt RNA splicing. Variants that disrupt the donor or acceptor splice site typically lead to a loss of protein function (PMID: 16199547), however the current clinical and genetic evidence is not sufficient to establish whether loss-of-function variants in PDGFRA cause disease.

Literature cited by the submitters: PubMed 16199547 (cited by Labcorp Genetics (formerly Invitae), Labcorp).